The following is an entry in ClinVar:

ClinVar aggregate classification (germline): Uncertain significance. Review status: criteria provided, multiple submitters, no conflicts (2 of 4 stars). 3 submissions from 3 submitters: Uncertain significance (3). Last evaluated 2026-01-05.

Conditions:
Immunodeficiency, common variable, 6. Also called: ANTIBODY DEFICIENCY DUE TO CD81 DEFECT. Identifiers: Orphanet 1572, MedGen C3150741, MONDO:0013286, OMIM 613496.

Allele frequency attached by ClinVar (database versions not stated): gnomAD 0.00008 and 0.00009; ExAC 0.00011; gnomAD exomes 0.00012; TOPMed 0.00012; ESP Exome Variant Server 0.00015.
gnomAD v4.1: 259 of 1,611,494 alleles (0.016%); highest among the groups gnomAD compares: Admixed American, 0.042%; no homozygotes.

Submissions (3):

Labcorp Genetics (formerly Invitae), Labcorp
Classification: Uncertain significance. Last evaluated: 2026-01-05. Review status: criteria provided, single submitter. Criteria: Invitae Variant Classification Sherloc (09022015). Collection method: clinical testing. Allele origin: germline.
Comment: This sequence change replaces aspartic acid, which is acidic and polar, with asparagine, which is neutral and polar, at codon 195 of the CD81 protein (p.Asp195Asn). This variant is present in population databases (rs144435973, gnomAD 0.06%), and has an allele count higher than expected for a pathogenic variant. This variant has not been reported in the literature in individuals affected with CD81-related conditions. ClinVar contains an entry for this variant (Variation ID: 992559). An algorithm developed to predict the effect of missense changes on protein structure and function (PolyPhen-2) suggests that this variant is likely to be tolerated. In summary, the available evidence is currently insufficient to determine the role of this variant in disease. Therefore, it has been classified as a Variant of Uncertain Significance.

Ambry Genetics
Classification: Uncertain significance. Last evaluated: 2024-10-29. Review status: criteria provided, single submitter. Criteria: Ambry Variant Classification Scheme 2023. Collection method: clinical testing. Allele origin: germline.

Center for Genomics, Ann and Robert H. Lurie Children's Hospital of Chicago
Classification: Uncertain significance for Immunodeficiency, common variable, 6. Last evaluated: 2021-03-30. Review status: criteria provided, single submitter. Criteria: ACMG Guidelines, 2015. Collection method: clinical testing. Allele origin: germline.
Comment: CD81 NM_004356.3 exon 7 p.Asp195Asn (c.583G>A): This variant has not been reported in the literature but is present in 0.05% (19/35418) of Latino alleles in the Genome Aggregation Database. This variant amino acid Asparagine (Asn) is present in the opossum and several fish species; this suggests that this variant may not impact the protein. Additional computational prediction tools do not suggest an impact. In summary, data on this variant is insufficient for disease classification. Therefore, the clinical significance of this variant is uncertain.

NM_004356.4(CD81):c.583G>A (p.Asp195Asn)

Gene: CD81 (CD81 molecule; plus strand). Cytogenetic location: 11p15.5.
Variant type: single nucleotide variant.
Coding change: c.583G>A on transcript NM_004356.4 (MANE Select); coding-DNA position 583, G replaced by A.
Protein change: p.Asp195Asn; replaces aspartic acid 195 with asparagine.
Molecular consequence: missense variant.
Genome position (GRCh38, 1-based): chr11:2,396,649, G>A. VCF-style: chr11-2396649-G-A. GRCh37 (hg19) VCF-style: chr11-2417879-G-A.
Other names: c.583G>A (NM_004356.3); c.370G>A, p.Asp124Asn (NM_001297649.2); short protein forms D124N, D195N.
Identifiers: ClinVar variation 992559 (VCV000992559.11), dbSNP rs144435973, ClinGen allele CA5820112.
Genomic context (GRCh38, chr11:2,396,649, plus strand): 5'-GCCCGGTCCCTGACCACGCGTGCCTGGCCACCCCTGCAGGAGGACTGCCACCAGAAGATC[G>A]ATGACCTCTTCTCCGGGAAGCTGTACCTCATCGGCATTGCTGCCATCGTGGTCGCTGTGA-3'
Protein context (NP_004347.1, residues 185-205): LFKEDCHQKI[Asp195Asn]DLFSGKLYLI